The following is an entry in ClinVar:

NM_000238.4(KCNH2):c.73del (p.Gln25fs)

Gene: KCNH2 (potassium voltage-gated channel subfamily H member 2; minus strand). Cytogenetic location: 7q36.1.
Variant type: Deletion.
Coding change: c.73del on transcript NM_000238.4 (MANE Select); coding-DNA position 73, one base deleted (C; older notation c.73delC).
Protein change: p.Gln25fs; shifts the reading frame from glutamine 25.
Molecular consequence: frameshift variant. On other transcripts: non-coding transcript variant (1).
Genome position (GRCh38, 1-based): chr7:150,977,841, G deleted on the plus strand (C on the coding strand, the reverse complement: KCNH2 is on the minus strand); the first of 2 consecutive G bases (chr7:150,977,841-150,977,842); deleting either gives the same sequence. VCF-style (leftmost placement, unchanged base first): chr7-150977840-TG-T. GRCh37 (hg19) VCF-style: chr7-150674928-TG-T.
Other names: c.73del, p.Gln25fs (NM_172056.3); short protein forms Q25fs.
Identifiers: ClinVar variation 4528252 (VCV004528252.1).

ClinVar aggregate classification (germline): Pathogenic (1 of 4 stars; one submission).

Submission:

GeneDx
Classification: Pathogenic. Last evaluated: 2025-04-30. Review status: criteria provided, single submitter. Criteria: GeneDx Variant Classification Process June 2021. Collection method: clinical testing. Allele origin: germline. Affected: yes.
Comment: Not observed at significant frequency in large population cohorts (gnomAD); Frameshift variant predicted to result in protein truncation or nonsense mediated decay in a gene for which loss of function is a known mechanism of disease; This variant is associated with the following publications: (PMID: 19716085)